The following is an entry in ClinVar:

ClinVar aggregate classification (germline): Pathogenic/Likely pathogenic. Review status: criteria provided, multiple submitters, no conflicts (2 of 4 stars). 2 submissions from 2 submitters: Pathogenic (1); Likely pathogenic (1). Last evaluated 2022-10-04.

Conditions:
Multiple acyl-CoA dehydrogenase deficiency (MADD). Also called: Glutaric Acidemia type 2; ETHYLMALONIC-ADIPICACIDURIA; GA II; Glutaric aciduria, type 2; Glutaric acidemia type II; GA 2. Identifiers: Orphanet 26791, MedGen C0268596, MONDO:0009282, OMIM 231680.

Submissions (3):

Baylor Genetics
Classification: Likely pathogenic for Multiple acyl-CoA dehydrogenase deficiency. Last evaluated: 2022-10-04. Review status: criteria provided, single submitter. Criteria: ACMG Guidelines, 2015. Collection method: clinical testing. Allele origin: unknown.

Labcorp Genetics (formerly Invitae), Labcorp
Classification: Pathogenic for Multiple acyl-CoA dehydrogenase deficiency. Last evaluated: 2022-06-09. Review status: criteria provided, single submitter. Criteria: Invitae Variant Classification Sherloc (09022015). Collection method: clinical testing. Allele origin: germline.
Comment: This sequence change creates a premature translational stop signal (Val325Leufs*3) in the ETFDH gene. It is expected to result in an absent or disrupted protein product. Loss-of-function variants in ETFDH are known to be pathogenic (PMID: 16510302, 23785301). For these reasons, this variant has been classified as Pathogenic. Algorithms developed to predict the effect of sequence changes on RNA splicing suggest that this variant may disrupt the consensus splice site. This variant has not been reported in the literature in individuals affected with ETFDH-related conditions. This variant is not present in population databases (gnomAD no frequency).

Dr. Peter K. Rogan Lab, Western University
No classification provided (evidence only). Condition: Squamous cell lung carcinoma. Review status: no classification provided. Collection method: in vitro. Allele origin: not applicable. Functional consequence: skipped exon. Not counted in ClinVar's aggregate classification.

Literature cited by the submitters: PubMed 16510302 (cited by Labcorp Genetics (formerly Invitae), Labcorp); PubMed 23785301 (cited by Labcorp Genetics (formerly Invitae), Labcorp).

NM_004453.4(ETFDH):c.972+1del

Gene: ETFDH (electron transfer flavoprotein dehydrogenase; plus strand). Cytogenetic location: 4q32.1.
Variant type: Deletion.
Coding change: c.972+1del on transcript NM_004453.4 (MANE Select); the canonical splice donor site of the intron after coding-DNA position 972, one base deleted (G; older notation c.972+1delG).
Molecular consequence: splice donor variant.
Genome position (GRCh38, 1-based): chr4:158,697,700, G deleted; the last of 2 consecutive G bases (chr4:158,697,699-158,697,700); deleting either gives the same sequence. VCF-style (leftmost placement, unchanged base first): chr4-158697698-TG-T. GRCh37 (hg19) VCF-style: chr4-159618850-TG-T.
Other names: NC_000004.11:g.159618852del; c.831+1del (NM_001281737.2); c.789+1del (NM_001281738.1).
Identifiers: ClinVar variation 2046332 (VCV002046332.6), dbSNP rs2479117770, ClinGen allele CA2580071645.